The following is an entry in ClinVar:

ClinVar aggregate classification (germline): Pathogenic. Review status: criteria provided, multiple submitters, no conflicts (2 of 4 stars). 2 submissions from 2 submitters: Pathogenic (2). Last evaluated 2025-11-06.

Conditions:
TGFB2-related disorder. Also called: TGFB2-related condition.
Loeys-Dietz syndrome 4 (LDS4). Also called: ANEURYSM, AORTIC AND CEREBRAL, WITH ARTERIAL TORTUOSITY AND SKELETAL MANIFESTATIONS; TGFB2-Related Loeys-Dietz Syndrome. Identifiers: MedGen C3553762, MONDO:0013897, OMIM 614816.

Submissions (2):

Labcorp Genetics (formerly Invitae), Labcorp
Classification: Pathogenic for Loeys-Dietz syndrome 4. Last evaluated: 2025-11-06. Review status: criteria provided, single submitter. Criteria: Invitae Variant Classification Sherloc (09022015). Collection method: clinical testing. Allele origin: germline.
Comment: This sequence change creates a premature translational stop signal (p.Lys146Glufs*18) in the TGFB2 gene. It is expected to result in an absent or disrupted protein product. Loss-of-function variants in TGFB2 are known to be pathogenic (PMID: 22772368, 22772371, 30739908). This variant is not present in population databases (gnomAD no frequency). This premature translational stop signal has been observed in individual(s) with Loeys–Dietz syndrome (PMID: 29392890). This variant is also known as p.Lys174Glufs*18. For these reasons, this variant has been classified as Pathogenic.

Blueprint Genetics
Classification: Pathogenic for TGFB2-related disorders. Last evaluated: 2023-06-16. Review status: criteria provided, single submitter. Criteria: ACMG Guidelines, 2015. Collection method: clinical testing. Allele origin: germline. Affected: yes. Observed: 2 variant alleles.

Literature cited by the submitters: PubMed 22772368 (cited by Labcorp Genetics (formerly Invitae), Labcorp); PubMed 22772371 (cited by Labcorp Genetics (formerly Invitae), Labcorp); PubMed 30739908 (cited by Labcorp Genetics (formerly Invitae), Labcorp); PubMed 29392890 (cited by Labcorp Genetics (formerly Invitae), Labcorp).

NM_003238.6(TGFB2):c.434dup (p.Lys146fs)

Gene: TGFB2 (transforming growth factor beta 2; plus strand). Cytogenetic location: 1q41.
Variant type: Duplication.
Coding change: c.434dup on transcript NM_003238.6 (MANE Select); coding-DNA position 434, one base duplicated (T; older notation c.434dupT).
Protein change: p.Lys146fs; shifts the reading frame from lysine 146.
Molecular consequence: frameshift variant. On other transcripts: non-coding transcript variant (2).
Genome position (GRCh38, 1-based): chr1:218,405,256, T duplicated. VCF-style (leftmost placement, unchanged base first): chr1-218405255-G-GT. GRCh37 (hg19) VCF-style: chr1-218578597-G-GT.
Other names: c.518dup, p.Lys174fs (NM_001135599.4); short protein forms K146fs, K174fs.
Identifiers: ClinVar variation 4737569 (VCV004737569.2).